The following is an entry in ClinVar:

ClinVar aggregate classification (germline): Uncertain significance (1 of 4 stars; one submission).

Conditions:
Bardet-Biedl syndrome (BBS). Identifiers: Orphanet 110, MedGen C0752166, MONDO:0015229.

Submission:

Labcorp Genetics (formerly Invitae), Labcorp
Classification: Uncertain significance for Bardet-Biedl syndrome. Last evaluated: 2019-12-03. Review status: criteria provided, single submitter. Criteria: Invitae Variant Classification Sherloc (09022015). Collection method: clinical testing. Allele origin: germline.
Comment: This variant is not present in population databases (ExAC no frequency). This variant has not been reported in the literature in individuals with BBS10-related conditions. Algorithms developed to predict the effect of missense changes on protein structure and function output the following: SIFT: "Tolerated"; PolyPhen-2: "Benign"; Align-GVGD: "Class C0". The leucine amino acid residue is found in multiple mammalian species, suggesting that this missense change does not adversely affect protein function. These predictions have not been confirmed by published functional studies and their clinical significance is uncertain. In summary, the available evidence is currently insufficient to determine the role of this variant in disease. Therefore, it has been classified as a Variant of Uncertain Significance. This sequence change replaces serine with leucine at codon 624 of the BBS10 protein (p.Ser624Leu). The serine residue is highly conserved and there is a large physicochemical difference between serine and leucine.

NM_024685.4(BBS10):c.1871C>T (p.Ser624Leu)

Gene: BBS10 (Bardet-Biedl syndrome 10; minus strand). Cytogenetic location: 12q21.2.
Variant type: single nucleotide variant.
Coding change: c.1871C>T on transcript NM_024685.4 (MANE Select); coding-DNA position 1871, C replaced by T.
Protein change: p.Ser624Leu; replaces serine 624 with leucine.
Molecular consequence: missense variant.
Genome position (GRCh38, 1-based): chr12:76,346,114, G>A on the plus strand (C>T on the coding strand, the complement: BBS10 is on the minus strand). VCF-style: chr12-76346114-G-A. GRCh37 (hg19) VCF-style: chr12-76739894-G-A.
Other names: short protein forms S624L.
Identifiers: ClinVar variation 854499 (VCV000854499.9), dbSNP rs768385647, ClinGen allele CA385809339.